The following is an entry in ClinVar:

ClinVar aggregate classification (germline): Uncertain significance (1 of 4 stars; one submission).

Conditions:
Very long chain acyl-CoA dehydrogenase deficiency (ACADVLD). Also called: Very Long-Chain Acyl-Coenzyme A Dehydrogenase Deficiency; VLCAD Deficiency. Identifiers: Orphanet 26793, MedGen C3887523, MONDO:0008723, OMIM 201475.

Submission:

Labcorp Genetics (formerly Invitae), Labcorp
Classification: Uncertain significance for Very long chain acyl-CoA dehydrogenase deficiency. Last evaluated: 2022-07-19. Review status: criteria provided, single submitter. Criteria: Invitae Variant Classification Sherloc (09022015). Collection method: clinical testing. Allele origin: germline.
Comment: This variant has not been reported in the literature in individuals affected with ACADVL-related conditions. In summary, the available evidence is currently insufficient to determine the role of this variant in disease. Therefore, it has been classified as a Variant of Uncertain Significance. Advanced modeling of protein sequence and biophysical properties (such as structural, functional, and spatial information, amino acid conservation, physicochemical variation, residue mobility, and thermodynamic stability) performed at Invitae indicates that this missense variant is expected to disrupt ACADVL protein function. This variant is not present in population databases (gnomAD no frequency). This sequence change replaces proline, which is neutral and non-polar, with leucine, which is neutral and non-polar, at codon 203 of the ACADVL protein (p.Pro203Leu).

NM_000018.4(ACADVL):c.608C>T (p.Pro203Leu)

Gene: ACADVL (acyl-CoA dehydrogenase very long chain; plus strand). Cytogenetic location: 17p13.1.
Variant type: single nucleotide variant.
Coding change: c.608C>T on transcript NM_000018.4 (MANE Select); coding-DNA position 608, C replaced by T.
Protein change: p.Pro203Leu; replaces proline 203 with leucine.
Molecular consequence: missense variant.
Genome position (GRCh38, 1-based): chr17:7,221,668, C>T. VCF-style: chr17-7221668-C-T. GRCh37 (hg19) VCF-style: chr17-7124987-C-T.
Other names: c.542C>T, p.Pro181Leu (NM_001033859.3); c.677C>T, p.Pro226Leu (NM_001270447.2); c.380C>T, p.Pro127Leu (NM_001270448.2); short protein forms P181L, P203L, P226L, P127L.
Identifiers: ClinVar variation 2002063 (VCV002002063.4), dbSNP rs2508285054, ClinGen allele CA397723267.